The following is an entry in ClinVar:

NM_000702.4(ATP1A2):c.2454_2456del (p.Leu819del)

Gene: ATP1A2 (ATPase Na+/K+ transporting subunit alpha 2; plus strand). Cytogenetic location: 1q23.2.
Variant type: Deletion.
Coding change: c.2454_2456del on transcript NM_000702.4 (MANE Select); coding-DNA positions 2454 to 2456, 3 bases deleted (CTT; older notation c.2454_2456delCTT).
Protein change: p.Leu819del; deletes leucine 819.
Molecular consequence: inframe deletion.
Genome position (GRCh38, 1-based): chr1:160,136,261-160,136,263, CTT deleted. VCF-style (leftmost placement, unchanged base first): chr1-160136260-CCTT-C. GRCh37 (hg19) VCF-style: chr1-160106050-CCTT-C.
Other names: short protein forms L819del.
Identifiers: ClinVar variation 2630908 (VCV002630908.1), dbSNP rs2524889741, ClinGen allele CA2695199898.

ClinVar aggregate classification (germline): Uncertain significance (1 of 4 stars; one submission).

Conditions:
ATP1A2-related disorder. Also called: ATP1A2-RELATED DISORDERS; ATP1A2-related condition.

Submission:

PreventionGenetics, part of Exact Sciences
Classification: Uncertain significance for ATP1A2-related condition. Last evaluated: 2023-09-17. Review status: criteria provided, single submitter. Criteria: ACMG Guidelines, 2015. Collection method: clinical testing. Allele origin: germline.
Comment: The ATP1A2 c.2454_2456delCTT variant is predicted to result in an in-frame deletion (p.Leu819del). To our knowledge, this variant has not been reported in the literature or in a large population database, indicating this variant is rare. At this time, the clinical significance of this variant is uncertain due to the absence of conclusive functional and genetic evidence.